The following is an entry in ClinVar:

NM_032444.4(SLX4):c.2914G>A (p.Gly972Ser)

Gene: SLX4 (SLX4 structure-specific endonuclease subunit; minus strand). Cytogenetic location: 16p13.3.
Variant type: single nucleotide variant.
Coding change: c.2914G>A on transcript NM_032444.4 (MANE Select); coding-DNA position 2914, G replaced by A.
Protein change: p.Gly972Ser; replaces glycine 972 with serine.
Molecular consequence: missense variant.
Genome position (GRCh38, 1-based): chr16:3,590,724, C>T on the plus strand (G>A on the coding strand, the complement: SLX4 is on the minus strand). VCF-style: chr16-3590724-C-T. GRCh37 (hg19) VCF-style: chr16-3640725-C-T.
Other names: short protein forms G972S.
Identifiers: ClinVar variation 2025922 (VCV002025922.4), dbSNP rs2548213665, ClinGen allele CA394522494.
Genomic context (GRCh38, chr16:3,590,724, plus strand): 5'-CCTGAGTTGATGAGAAGAGCTGTTCGTAATCCCCGGCATCATCTGAGTGCGGAAGAGAGC[C>T]TTCTTTTCTCTCTGCCTGGCAGTCCCTGGAAGGGCTGGAGCAGCTGGAATGGCCAAGCGC-3'
Protein context (NP_115820.2, residues 962-982): SRDCQAERKE[Gly972Ser]SLPHSDDAGD

ClinVar aggregate classification (germline): Uncertain significance (1 of 4 stars; one submission).

Conditions:
Fanconi anemia (FA). Also called: Fanconi's anemia. Identifiers: Orphanet 84, MedGen C0015625, MeSH D005199, MONDO:0019391.

Allele frequency attached by ClinVar (database versions not stated): gnomAD exomes below 0.00001.
gnomAD v4.1: 1 of 1,614,126 alleles (0.000062%); highest among the groups gnomAD compares: Non-Finnish European, 0.000085%; no homozygotes.

Submission:

Labcorp Genetics (formerly Invitae), Labcorp
Classification: Uncertain significance for Fanconi anemia. Last evaluated: 2025-06-16. Review status: criteria provided, single submitter. Criteria: Invitae Variant Classification Sherloc (09022015). Collection method: clinical testing. Allele origin: germline.
Comment: This sequence change replaces glycine, which is neutral and non-polar, with serine, which is neutral and polar, at codon 972 of the SLX4 protein (p.Gly972Ser). This variant is not present in population databases (gnomAD no frequency). This variant has not been reported in the literature in individuals affected with SLX4-related conditions. ClinVar contains an entry for this variant (Variation ID: 2025922). An algorithm developed to predict the effect of missense changes on protein structure and function outputs the following: PolyPhen-2: "Benign". The serine amino acid residue is found in multiple mammalian species, which suggests that this missense change does not adversely affect protein function. In summary, the available evidence is currently insufficient to determine the role of this variant in disease. Therefore, it has been classified as a Variant of Uncertain Significance.